The following is an entry in ClinVar:

NM_001387430.1(SH2B1):c.1901C>G (p.Pro634Arg)

Gene: SH2B1 (SH2B adaptor protein 1; plus strand). Cytogenetic location: 16p11.2.
Variant type: single nucleotide variant.
Coding change: c.1901C>G on transcript NM_001387430.1 (MANE Select); coding-DNA position 1901, C replaced by G.
Protein change: p.Pro634Arg; replaces proline 634 with arginine.
Molecular consequence: missense variant. On other transcripts: synonymous variant (4), 3 prime UTR variant (1).
Genome position (GRCh38, 1-based): chr16:28,873,450, C>G. VCF-style: chr16-28873450-C-G. GRCh37 (hg19) VCF-style: chr16-28884771-C-G.
Other names: c.1901C>G, p.Pro634Arg (NM_001145795.2, NM_001308293.2, NM_001387404.1); c.2001C>G, p.Thr667= (NM_001145796.2, NM_001145812.2, NM_015503.3); c.*2C>G (NM_001145797.2); c.993C>G, p.Thr331= (NM_001308294.2); short protein forms P634R.
Identifiers: ClinVar variation 4995946 (VCV004995946.1).

ClinVar aggregate classification (germline): Uncertain significance (1 of 4 stars; one submission).

Conditions:
SH2B1-related disorder. Also called: SH2B1-related condition.

gnomAD v4.1: 2 of 1,567,508 alleles (0.00013%); highest among the groups gnomAD compares: South Asian, 0.0012%; no homozygotes.

Submission:

PreventionGenetics, part of Exact Sciences
Classification: Uncertain significance for SH2B1-related condition. Last evaluated: 2026-05-11. Review status: criteria provided, single submitter. Criteria: ACMG Guidelines, 2015. Collection method: clinical testing. Allele origin: germline.
Comment: The SH2B1 c.1901C>G variant is predicted to result in the amino acid substitution p.Pro634Arg. To our knowledge, this variant has not been reported in the literature or in a large population database (gnomAD), indicating this variant is rare. At this time, the clinical significance of this variant is uncertain due to the absence of conclusive functional and genetic evidence.